The following is an entry in ClinVar:

NM_000051.4(ATM):c.4864G>A (p.Glu1622Lys)

Gene: ATM (ATM serine/threonine kinase; plus strand). Cytogenetic location: 11q22.3.
Variant type: single nucleotide variant.
Coding change: c.4864G>A on transcript NM_000051.4 (MANE Select); coding-DNA position 4864, G replaced by A.
Protein change: p.Glu1622Lys; replaces glutamic acid 1622 with lysine.
Molecular consequence: missense variant.
Genome position (GRCh38, 1-based): chr11:108,295,014, G>A. VCF-style: chr11-108295014-G-A. GRCh37 (hg19) VCF-style: chr11-108165741-G-A.
Other names: c.4864G>A, p.Glu1622Lys (NM_001351834.2); short protein forms E1622K.
Identifiers: ClinVar variation 4768568 (VCV004768568.1).

ClinVar aggregate classification (germline): Uncertain significance (1 of 4 stars; one submission).

Conditions:
Ataxia-telangiectasia syndrome (AT). Also called: Ataxia telangiectasia (A-T); Cerebello-oculocutaneous telangiectasia; Immunodeficiency with ataxia telangiectasia; Ataxia-telangiectasia, complementation group D; AT, COMPLEMENTATION GROUP C; LOUIS-BAR SYNDROME. Identifiers: Orphanet 100, MedGen C0004135, MONDO:0008840, OMIM 208900.

Submission:

Labcorp Genetics (formerly Invitae), Labcorp
Classification: Uncertain significance for Ataxia-telangiectasia syndrome. Last evaluated: 2025-08-11. Review status: criteria provided, single submitter. Criteria: Invitae Variant Classification Sherloc (09022015). Collection method: clinical testing. Allele origin: germline.
Comment: This sequence change replaces glutamic acid, which is acidic and polar, with lysine, which is basic and polar, at codon 1622 of the ATM protein (p.Glu1622Lys). This variant is not present in population databases (gnomAD no frequency). This variant has not been reported in the literature in individuals affected with ATM-related conditions. Invitae Evidence Modeling of protein sequence and biophysical properties (such as structural, functional, and spatial information, amino acid conservation, physicochemical variation, residue mobility, and thermodynamic stability) indicates that this missense variant is not expected to disrupt ATM protein function with a negative predictive value of 95%. In summary, the available evidence is currently insufficient to determine the role of this variant in disease. Therefore, it has been classified as a Variant of Uncertain Significance.